The following is an entry in ClinVar:

ClinVar aggregate classification (germline): Conflicting classifications of pathogenicity. Review status: criteria provided, conflicting classifications (1 of 4 stars). 3 submissions from 3 submitters: Uncertain significance (1); Likely benign (1). 1 of the submissions does not count toward it. Last evaluated 2023-08-21.

Conditions:
SERPINA7-related disorder. Also called: SERPINA7-related condition.

Allele frequency attached by ClinVar (database versions not stated): gnomAD exomes 0.00003 and 0.00010; ExAC 0.00015; gnomAD 0.00039 and 0.00042; TOPMed 0.00041; ESP Exome Variant Server 0.00057.
gnomAD v4.1: 86 of 1,209,288 alleles (0.0071%); highest among the groups gnomAD compares: African/African-American, 0.12%; no homozygotes.

Submissions (3):

Ambry Genetics
Classification: Uncertain significance. Last evaluated: 2023-08-21. Review status: criteria provided, single submitter. Criteria: Ambry Variant Classification Scheme 2023. Collection method: clinical testing. Allele origin: germline.

Labcorp Genetics (formerly Invitae), Labcorp
Classification: Likely benign. Last evaluated: 2019-12-07. Review status: criteria provided, single submitter. Criteria: Invitae Variant Classification Sherloc (09022015). Collection method: clinical testing. Allele origin: germline.

PreventionGenetics, part of Exact Sciences
Classification: Likely benign for SERPINA7-related condition. Last evaluated: 2022-02-14. Review status: no assertion criteria provided. Collection method: clinical testing. Allele origin: germline. Not counted in ClinVar's aggregate classification.
Comment: This variant is classified as likely benign based on ACMG/AMP sequence variant interpretation guidelines (Richards et al. 2015 PMID: 25741868, with internal and published modifications).

NM_000354.6(SERPINA7):c.1150A>G (p.Ile384Val)

Gene: SERPINA7 (serpin family A member 7; minus strand). Cytogenetic location: Xq22.3.
Variant type: single nucleotide variant.
Coding change: c.1150A>G on transcript NM_000354.6 (MANE Select); coding-DNA position 1150, A replaced by G.
Protein change: p.Ile384Val; replaces isoleucine 384 with valine.
Molecular consequence: missense variant.
Genome position (GRCh38, 1-based): chrX:106,033,598, T>C on the plus strand (A>G on the coding strand, the complement: SERPINA7 is on the minus strand). VCF-style: chrX-106033598-T-C. GRCh37 (hg19) VCF-style: chrX-105277589-T-C.
Other names: c.1150A>G (NM_000354.5); short protein forms I384V.
Identifiers: ClinVar variation 1134042 (VCV001134042.8), dbSNP rs146242514, ClinGen allele CA10481637.